The following is an entry in ClinVar:

NM_001128178.3(NPHP1):c.1315A>G (p.Lys439Glu)

Gene: NPHP1 (nephrocystin 1; minus strand). Cytogenetic location: 2q13.
Variant type: single nucleotide variant.
Coding change: c.1315A>G on transcript NM_001128178.3 (MANE Select); coding-DNA position 1315, A replaced by G.
Protein change: p.Lys439Glu; replaces lysine 439 with glutamic acid.
Molecular consequence: missense variant.
Genome position (GRCh38, 1-based): chr2:110,146,790, T>C on the plus strand (A>G on the coding strand, the complement: NPHP1 is on the minus strand). VCF-style: chr2-110146790-T-C. GRCh37 (hg19) VCF-style: chr2-110904367-T-C.
Other names: c.1483A>G, p.Lys495Glu (NM_000272.5); c.1126A>G, p.Lys376Glu (NM_001128179.3); c.1312A>G, p.Lys438Glu (NM_001374256.1); c.1315A>G, p.Lys439Glu (NM_001374257.1); c.1480A>G, p.Lys494Glu (NM_207181.4); short protein forms K376E, K438E, K439E, K494E, K495E.
Identifiers: ClinVar variation 3370183 (VCV003370183.2).

ClinVar aggregate classification (germline): Uncertain significance. Review status: criteria provided, multiple submitters, no conflicts (2 of 4 stars). 2 submissions from 2 submitters: Uncertain significance (2). Last evaluated 2025-03-08.

Conditions:
NPHP1-related disorder. Also called: NPHP1-related disorders; NPHP1-related condition.

Submissions (2):

PreventionGenetics, part of Exact Sciences
Classification: Uncertain significance for NPHP1-related condition. Last evaluated: 2025-03-08. Review status: criteria provided, single submitter. Criteria: ACMG Guidelines, 2015. Collection method: clinical testing. Allele origin: germline.
Comment: The NPHP1 c.1483A>G variant is predicted to result in the amino acid substitution p.Lys495Glu. To our knowledge, this variant has not been reported in the literature or in a large population database (gnomAD), indicating this variant is rare. At this time, the clinical significance of this variant is uncertain due to the absence of conclusive functional and genetic evidence.

GeneDx
Classification: Uncertain significance. Last evaluated: 2023-12-26. Review status: criteria provided, single submitter. Criteria: GeneDx Variant Classification Process June 2021. Collection method: clinical testing. Allele origin: germline. Affected: yes.
Comment: Not observed at significant frequency in large population cohorts (gnomAD); In silico analysis supports that this missense variant does not alter protein structure/function; Has not been previously published as pathogenic or benign to our knowledge